The following is an entry in ClinVar:

ClinVar aggregate classification (germline): Conflicting classifications of pathogenicity. Review status: criteria provided, conflicting classifications (1 of 4 stars). 10 submissions from 10 submitters: Pathogenic (7); Likely pathogenic (1); Uncertain significance (1). 1 of the submissions does not count toward it. Last evaluated 2026-01-20.

Conditions:
CNGA3-related disorders.
CNGA3-related disorder. Also called: CNGA3-related condition.
Achromatopsia 2 (ACHM2). Also called: COLORBLINDNESS, TOTAL; ROD MONOCHROMACY 2; ROD MONOCHROMATISM 2. Identifiers: Orphanet 49382, MedGen C1857618, MONDO:0009003, OMIM 216900.
Cone dystrophy. Identifiers: Orphanet 1871, MedGen C0730290, MONDO:0000455.

Allele frequency attached by ClinVar (database versions not stated): gnomAD exomes 0.00002 and 0.00008; ExAC 0.00010; 1000 Genomes Project 30x 0.00016; 1000 Genomes Project 0.00020; gnomAD 0.00030 and 0.00033; TOPMed 0.00032; ESP Exome Variant Server 0.00046.
gnomAD v4.1: 79 of 1,614,130 alleles (0.0049%); highest among the groups gnomAD compares: African/African-American, 0.1%; no homozygotes.

Submissions (10):

PreventionGenetics, part of Exact Sciences
Classification: Pathogenic for CNGA3-related condition. Last evaluated: 2026-01-20. Review status: criteria provided, single submitter. Criteria: ACMG Guidelines, 2015. Collection method: clinical testing. Allele origin: germline.
Comment: The CNGA3 c.967G>C variant is predicted to result in the amino acid substitution p.Ala323Pro. This variant has been reported in the homozygous state or along with a second potential causative variant in individuals with achromatopsia (Table S2, Carss et al. 2017. PubMed ID: 28041643; Abdelkader et al. 2018. PubMed ID: 30289319; Hitti-Malin et al. 2022. PubMed ID: 36259723; Khan et al. 2019. PubMed ID: 31725702; Table S1, Lin et al. 2024. PubMed ID: 38219857). An alternate substitution of the same amino acid residue (p.Ala323Asp) has also been reported in an individual with achromatopsia (Li et al. 2015. PubMed ID: 26493561). This variant is present in 0.10% of alleles in individuals of African descent in gnomAD. Given the evidence, this variant is interpreted as pathogenic.

Labcorp Genetics (formerly Invitae), Labcorp
Classification: Pathogenic. Last evaluated: 2025-11-01. Review status: criteria provided, single submitter. Criteria: Invitae Variant Classification Sherloc (09022015). Collection method: clinical testing. Allele origin: germline.
Comment: This sequence change replaces alanine, which is neutral and non-polar, with proline, which is neutral and non-polar, at codon 323 of the CNGA3 protein (p.Ala323Pro). This variant is present in population databases (rs146195955, gnomAD 0.09%). This missense change has been observed in individual(s) with cone rod dystrophy and achromatopsia (PMID: 28041643, 30289319; internal data). In at least one individual the data is consistent with being in trans (on the opposite chromosome) from a pathogenic variant. ClinVar contains an entry for this variant (Variation ID: 284032). Invitae Evidence Modeling of protein sequence and biophysical properties (such as structural, functional, and spatial information, amino acid conservation, physicochemical variation, residue mobility, and thermodynamic stability) indicates that this missense variant is expected to disrupt CNGA3 protein function with a positive predictive value of 95%. This variant disrupts the p.Ala323 amino acid residue in CNGA3. Other variant(s) that disrupt this residue have been observed in individuals with CNGA3-related conditions (PMID: 26493561), which suggests that this may be a clinically significant amino acid residue. For these reasons, this variant has been classified as Pathogenic.

GeneDx
Classification: Pathogenic. Last evaluated: 2025-09-08. Review status: criteria provided, single submitter. Criteria: GeneDx Variant Classification Process June 2021. Collection method: clinical testing. Allele origin: germline. Affected: yes.
Comment: In silico analysis supports that this missense variant has a deleterious effect on protein structure/function; This variant is associated with the following publications: (PMID: 36259723, 36460718, 31725702, 30289319, 32581362, 32783370, 28041643, 37372476, 38219857)

Dubai Health Genomic Medicine Center, Dubai Health
Classification: Pathogenic for Achromatopsia 2. Last evaluated: 2024-10-04. Review status: criteria provided, single submitter. Criteria: ACMG Guidelines, 2015. Collection method: research. Allele origin: germline. Affected: yes.
Comment: PM3 (moderate),PM2,PP3,PM5,PM1

Blueprint Genetics
Classification: Pathogenic for CNGA3-related disorders. Last evaluated: 2024-02-09. Review status: criteria provided, single submitter. Criteria: ACMG Guidelines, 2015. Collection method: clinical testing. Allele origin: germline. Affected: yes. Observed: 5 variant alleles.

3billion
Classification: Likely pathogenic for Achromatopsia 2. Last evaluated: 2023-09-10. Review status: criteria provided, single submitter. Criteria: ACMG Guidelines, 2015. Collection method: clinical testing. Allele origin: germline. Affected: yes.
Comment: The variant is observed at an extremely low frequency in the gnomAD v2.1.1 dataset (total allele frequency: 0.010%). Predicted Consequence/Location: Missense variant In silico tool predictions suggest damaging effect of the variant on gene or gene product [REVEL: 0.84 (>=0.6, sensitivity 0.68 and specificity 0.92); 3Cnet: 0.93 (>=0.6, sensitivity 0.72 and precision 0.9)]. Same nucleotide change resulting in same amino acid change has been previously reported as pathogenic/likely pathogenic with strong evidence (ClinVar ID: VCV000284032 /PMID: 28041643). The variant has been reported to be in trans with a pathogenic variant as either compound heterozygous or homozygous in at least one similarly affected unrelated individual (PMID: 30289319). A different missense change at the same codon (p.Ala323Asp) has been reported to be associated with CNGA3 related disorder (PMID: 26493561). Therefore, this variant is classified as Likely pathogenic according to the recommendation of ACMG/AMP guideline.

Women's Health and Genetics/Laboratory Corporation of America, LabCorp
Classification: Pathogenic for Achromatopsia 2. Last evaluated: 2023-08-18. Review status: criteria provided, single submitter. Criteria: LabCorp Variant Classification Summary - May 2015. Collection method: clinical testing. Allele origin: germline.
Comment: Variant summary: CNGA3 c.967G>C (p.Ala323Pro) results in a non-conservative amino acid change located in the Ion transport domain (IPR005821) of the encoded protein sequence. Three of five in-silico tools predict a damaging effect of the variant on protein function. The variant allele was found at a frequency of 7.6e-05 in 251488 control chromosomes. c.967G>C has been reported in the literature in multiple individuals affected with Achromatopsia and other CNGA3-related diseases including rod monochromacy and macular degenerations, either being seen with second pathogenic variants or being homozygous (example: Hitti-malin_2022, Mejecase_2020, Sun_2020, Solaki_2022). These data indicate that the variant is very likely to be associated with Achromatopsia 2. To our knowledge, no experimental evidence demonstrating an impact on protein function has been reported. The following publications have been ascertained in the context of this evaluation (PMID: 36259723, 32783370, 32913385, 35332618). Six submitters have cited clinical-significance assessments for this variant to ClinVar after 2014 (Pathogenic, n=4; Likely pathogenic, n=1; VUS, n=1). Based on the evidence outlined above, the variant was classified as pathogenic.

Eurofins Ntd Llc (ga)
Classification: Uncertain significance. Last evaluated: 2018-03-12. Review status: criteria provided, single submitter. Criteria: EGL ClinVar v180209 classification definitions. Collection method: clinical testing. Allele origin: germline. Observed: 3 variant alleles, 2 heterozygotes, 1 homozygote.

Department of Genetics, Sultan Qaboos University Hospital
Classification: Pathogenic for Achromatopsia 2. Last evaluated: 2017-12-30. Review status: criteria provided, single submitter. Criteria: ACMG Guidelines, 2015. Collection method: clinical testing. Allele origin: unknown. Affected: yes.

NIHR Bioresource Rare Diseases, University of Cambridge
Classification: Likely pathogenic for Cone-rod dystrophy. Last evaluated: 2015-01-01. Review status: no assertion criteria provided. Collection method: research. Allele origin: unknown. Affected: yes. Observed: 1 variant allele. Not counted in ClinVar's aggregate classification.

Literature cited by the submitters: PubMed 28041643 (cited by 3 submitters); PubMed 30289319 (cited by Labcorp Genetics (formerly Invitae), Labcorp and 3billion); PubMed 26493561 (cited by Labcorp Genetics (formerly Invitae), Labcorp and 3billion); PubMed 32913385 (cited by Women's Health and Genetics/Laboratory Corporation of America, LabCorp); PubMed 36259723 (cited by Women's Health and Genetics/Laboratory Corporation of America, LabCorp); PubMed 32783370 (cited by Women's Health and Genetics/Laboratory Corporation of America, LabCorp); PubMed 35332618 (cited by Women's Health and Genetics/Laboratory Corporation of America, LabCorp); I:\T\Papers and Publications\CNGA3\2009-11-23_lecturesensorysystems_wissinger_A323P.pdf (cited by Eurofins Ntd Llc (ga)).

NM_001298.3(CNGA3):c.967G>C (p.Ala323Pro)

Gene: CNGA3 (cyclic nucleotide gated channel subunit alpha 3; plus strand). Cytogenetic location: 2q11.2.
Variant type: single nucleotide variant.
Coding change: c.967G>C on transcript NM_001298.3 (MANE Select); coding-DNA position 967, G replaced by C.
Protein change: p.Ala323Pro; replaces alanine 323 with proline.
Molecular consequence: missense variant.
Genome position (GRCh38, 1-based): chr2:98,396,137, G>C. VCF-style: chr2-98396137-G-C. GRCh37 (hg19) VCF-style: chr2-99012600-G-C.
Other names: c.913G>C, p.Ala305Pro (NM_001079878.2); short protein forms A323P, A305P.
Identifiers: ClinVar variation 284032 (VCV000284032.26), dbSNP rs146195955, ClinGen allele CA1793927.
Genomic context (GRCh38, chr2:98,396,137, plus strand): 5'-ATTGGGAACTTGGTCTTGTACATTCTCATCATCATCCACTGGAATGCCTGCATCTACTTT[G>C]CCATTTCCAAGTTCATTGGTTTTGGGACAGACTCCTGGGTCTACCCAAACATCTCAATCC-3'
Protein context (NP_001289.1, residues 313-333): IIHWNACIYF[Ala323Pro]ISKFIGFGTD